The following is an entry in ClinVar:

NM_001164277.2(SLC37A4):c.679T>C (p.Trp227Arg)

Gene: SLC37A4 (solute carrier family 37 member 4; minus strand). Cytogenetic location: 11q23.3.
Variant type: single nucleotide variant.
Coding change: c.679T>C on transcript NM_001164277.2 (MANE Select); coding-DNA position 679, T replaced by C.
Protein change: p.Trp227Arg; replaces tryptophan 227 with arginine.
Molecular consequence: missense variant.
Genome position (GRCh38, 1-based): chr11:119,027,042, A>G on the plus strand (T>C on the coding strand, the complement: SLC37A4 is on the minus strand). VCF-style: chr11-119027042-A-G. GRCh37 (hg19) VCF-style: chr11-118897752-A-G.
Other names: c.679T>C, p.Trp227Arg (NM_001164278.2, NM_001164280.2, NM_001467.6); c.460T>C, p.Trp154Arg (NM_001164279.2); short protein forms W227R, W154R.
Identifiers: ClinVar variation 552741 (VCV000552741.5), dbSNP rs1176277831, ClinGen allele CA382901468.
Genomic context (GRCh38, chr11:119,027,042, plus strand): 5'-CCCAGTCAGTACAGCAGGTCTTTACTCCAAACACCACAAGGTAACCAGTGGAGAGCACCC[A>G]CAGGTAAGGGGACAGCAGCAGCTCCTGCAGGGTGCTCTCCTCCTTCAAGGAGCCTGGAGG-3'
Protein context (NP_001157749.1, residues 217-237): LQELLLSPYL[Trp227Arg]VLSTGYLVVF

ClinVar aggregate classification (germline): Uncertain significance. Review status: criteria provided, multiple submitters, no conflicts (2 of 4 stars). 3 submissions from 3 submitters: Uncertain significance (2). 1 of the submissions does not count toward it. Last evaluated 2024-04-25.

Conditions:
Congenital disorder of glycosylation, type IIw. Identifiers: MedGen C5561986, MONDO:0030437, OMIM 619525.
Phosphate transport defect (GSD1C). Also called: GSD Ic; GLYCOGEN STORAGE DISEASE Ic. Identifiers: Orphanet 364, Orphanet 79259, MedGen C0342749, OMIM 232240.
Glucose-6-phosphate transport defect (GSD1B). Also called: Glycogen Storage Disease Type Ib; GSD Ib. Identifiers: Orphanet 364, Orphanet 79259, MedGen C0268146, MONDO:0009288, OMIM 232220.

Allele frequency attached by ClinVar (database versions not stated): gnomAD exomes below 0.00001; TOPMed below 0.00001.

Submissions (3):

Labcorp Genetics (formerly Invitae), Labcorp
Classification: Uncertain significance for Glucose-6-phosphate transport defect. Last evaluated: 2024-04-25. Review status: criteria provided, single submitter. Criteria: Invitae Variant Classification Sherloc (09022015). Collection method: clinical testing. Allele origin: germline.
Comment: This sequence change replaces tryptophan, which is neutral and slightly polar, with arginine, which is basic and polar, at codon 227 of the SLC37A4 protein (p.Trp227Arg). This variant is present in population databases (no rsID available, gnomAD 0.003%). This variant has not been reported in the literature in individuals affected with SLC37A4-related conditions. ClinVar contains an entry for this variant (Variation ID: 552741). Advanced modeling of protein sequence and biophysical properties (such as structural, functional, and spatial information, amino acid conservation, physicochemical variation, residue mobility, and thermodynamic stability) performed at Invitae indicates that this missense variant is expected to disrupt SLC37A4 protein function with a positive predictive value of 80%. In summary, the available evidence is currently insufficient to determine the role of this variant in disease. Therefore, it has been classified as a Variant of Uncertain Significance.

Fulgent Genetics
Classification: Uncertain significance for Glucose-6-phosphate transport defect; Phosphate transport defect; Congenital disorder of glycosylation, type IIw. Last evaluated: 2021-11-07. Review status: criteria provided, single submitter. Criteria: ACMG Guidelines, 2015. Collection method: clinical testing. Allele origin: unknown.

Counsyl
Classification: Uncertain significance for Glucose-6-phosphate transport defect. Last evaluated: 2017-07-05. Review status: no assertion criteria provided. Collection method: clinical testing. Allele origin: unknown. Not counted in ClinVar's aggregate classification.